The following is an entry in ClinVar:

NM_000268.4(NF2):c.241-9A>G

Gene: NF2 (NF2, moesin-ezrin-radixin like (MERLIN) tumor suppressor; plus strand). Cytogenetic location: 22q12.2.
Variant type: single nucleotide variant.
Coding change: c.241-9A>G on transcript NM_000268.4 (MANE Select); 9 bases into the intron before coding-DNA position 241, A replaced by G.
Molecular consequence: intron variant.
Genome position (GRCh38, 1-based): chr22:29,639,081, A>G. VCF-style: chr22-29639081-A-G. GRCh37 (hg19) VCF-style: chr22-30035070-A-G.
Other names: c.241-9A>G (NM_016418.5, NM_181832.3, NM_001407060.1 and 5 more transcripts); c.127-9A>G (NM_001407056.1, NM_001407053.1); c.10-9A>G (NM_001407067.1); c.-400-9A>G (NM_001407065.1); c.240+2205A>G (NM_001407058.1, NM_181829.3, NM_001407054.1 and 1 more transcripts); c.115-9A>G (NM_181828.3, NM_001407055.1); c.115-3121A>G (NM_001407063.1, NM_181830.3, NM_001407064.1 and 1 more transcripts).
Identifiers: ClinVar variation 3600366 (VCV003600366.1).

ClinVar aggregate classification (germline): Pathogenic (1 of 4 stars; one submission).

Conditions:
Neurofibromatosis, type 2 (SWNV). Also called: BILATERAL ACOUSTIC NEUROFIBROMATOSIS; NF2-Related Schwannomatosis; SCHWANNOMATOSIS, VESTIBULAR. Identifiers: Orphanet 637, MedGen C0027832, MONDO:0007039, OMIM 101000. Disease mechanism: loss of function.

Submission:

Clinical Genomics Laboratory, Washington University in St. Louis
Classification: Pathogenic for Neurofibromatosis, type 2. Last evaluated: 2024-06-19. Review status: criteria provided, single submitter. Criteria: ACMG Guidelines, 2015. Collection method: clinical testing. Allele origin: germline. Affected: yes.
Comment: The NF2 c.241-9A>C variant has been reported in at least 4 individuals affected with neurofibromatosis type 2 (Castellanos E et al., PMID: 29322178; Catasús N et al., PMID:36420221; Evans DG et al., PMID: 30523344; Louvrier C et al., PMID: 29409008). Of note, this variant was identified as germline in a preschooler with three slightly pigmented skin lesions which were determined to be dermal plexiform schwannomas (Castellanos E et al., PMID: 29322178). This variant is absent from the general population (gnomAD v.2.1.1), indicating it is not a common variant. Computational predictors indicate that this variant would alter splicing by creating new acceptor site. In support of this prediction, cDNA sequencing study showed the inclusion of 8 nucleotides of intron 2, resulting in a frameshift and a premature termination codon (p.Val81Phefs*44), which is predicted to lead to nonsense medicated decay (Castellanos E et al., PMID: 29322178). Based on available information and the ACMG/AMP guidelines for variant interpretation (Richards S et al., PMID: 25741868), this variant is classified as pathogenic.